The following continues an entry in ClinVar:

NM_000057.4(BLM):c.2207_2212delinsTAGATTC (p.Tyr736fs)

Gene: BLM. ClinVar aggregate classification (germline): Pathogenic/Likely pathogenic. Pathogenic (23); Likely pathogenic (1).

Submissions 9 to 20 of 29:

GeneKor MSA
Classification: Pathogenic for Hereditary cancer-predisposing syndrome. Last evaluated: 2025-05-15. Review status: criteria provided, single submitter. Criteria: ACMG Guidelines, 2015. Collection method: clinical testing. Allele origin: germline. Affected: no.
Comment: This is a 6-nucleotide deletion and a 7-nucleotide insertion in exon 10 of BLM mRNA c.(2207_2212delinsTAGATTC). This alteration creates a premature translational stop signal 5 amino acid residues later p.(Tyr736Leufs*5) and is expected to result in an absent or non-functional protein product. Loss-of-function variants in BLM are known to be pathogenic (PMID:17407155). This variant is not present in population databases (rs113993962). This alteration which is also known as BLMAsh, is a well described pathogenic founder mutation in Ashkenazi Jewish population and has been reported in international literature in multiple individuals (both compound heterozygous and homozygous) affected with Bloom Syndrome (PMID:9482582, 9837821, 12242432, 12702560, 15726604). ClinVar contains an entry for this variant (Variation ID:Variation ID :5454). A functional study showed that this alteration did not create BLM protein (PMID:10521302). Based on the classification criteria set by the ACMG and AMP (PMID:25741868) this variant has been classified as pathogenic.

Quest Diagnostics Nichols Institute San Juan Capistrano
Classification: Pathogenic. Last evaluated: 2024-05-13. Review status: criteria provided, single submitter. Criteria: Quest Diagnostics criteria. Collection method: clinical testing. Allele origin: unknown.
Comment: The BLM c.2207_2212delinsTAGATTC (p.Tyr736Leufs*5) variant alters the translational reading frame of the BLM mRNA and causes the premature termination of BLM protein synthesis. In the published literature, this variant (also known as the "BLM-Ash" mutation) has been reported in the compound heterozygous or homozygous state in individuals with Bloom syndrome (PMIDs: 37052241 (2023), 17407155 (2007), 10090915 (1999), 9837821 (1998), 7585968 (1995)). This variant in the heterozygous state has also been reported in individuals with colorectal and endometrial cancer (PMIDs: 36744932 (2023), 28647934 (2017), 12702560 (2003), 12242432 (2002)). This variant has not been reported in large, multi-ethnic general populations (Genome Aggregation Database). Based on the available information, this variant is classified as pathogenic.

Genetic Services Laboratory, University of Chicago
Classification: Pathogenic. Last evaluated: 2024-04-25. Review status: criteria provided, single submitter. Criteria: ACMG Guidelines, 2015. Collection method: clinical testing. Allele origin: germline. Affected: yes.
Comment: DNA sequence analysis of the BLM gene demonstrated a deletion of 6 base pairs and insertion of 7 base pairs in exon 10, c.2207_2212delinsTAGATTC.This sequence change results in an amino acid frameshift and creates a premature stop codon 4 amino acids downstream of the change, p.Tyr736Leufs*5. This sequence change is predicted to result in an abnormal transcript, which may be degraded, or may lead to the production of a truncated BLM protein with potentially abnormal function. The c.2207_2212delinsTAGATTC sequence change has not been described in population databases such as ExAC and gnomAD (dbSNP rs113993962). This sequence change has previously been reported in individuals with Bloom syndrome in the homozygous or compound heterozygous state and is described as well-established founder mutation in the Ashkenazi Jewish population (PMID: 7585968, 29056561, 33219493, 9758720). These collective evidences indicate that this sequence change is pathogenic.

Baylor Genetics
Classification: Pathogenic for Bloom syndrome. Last evaluated: 2024-03-27. Review status: criteria provided, single submitter. Criteria: ACMG Guidelines, 2015. Collection method: clinical testing. Allele origin: unknown.

Fulgent Genetics
Classification: Pathogenic for Bloom syndrome. Last evaluated: 2024-02-26. Review status: criteria provided, single submitter. Criteria: ACMG Guidelines, 2015. Collection method: clinical testing. Allele origin: germline.

ARUP Laboratories, Molecular Genetics and Genomics, ARUP Laboratories
Classification: Pathogenic for Bloom syndrome. Last evaluated: 2024-02-04. Review status: criteria provided, single submitter. Criteria: ARUP Molecular Germline Variant Investigation Process 2024. Collection method: clinical testing. Allele origin: germline.
Comment: The BLM c.2207_2212delinsTAGATTC; p.Tyr736LeufsTer5 variant (also known as BLM(Ash)) is widely reported in the literature in patients with Bloom Syndrome (Bouman 2018, Fiala 2021, Hogan 2018, Huson 2022, Lowery 2018), most commonly in individuals of Ashkenazi Jewish descent (Schayek 2017). This variant is reported in ClinVar database (Variation ID: 5454). The components of this complex variant are reported predominantly in the Ashkenazi Jewish population with an allele frequency of 0.4% (39/10,340 alleles) in the Genome Aggregation Database (v2.1.1). This variant causes a frameshift by deletion-insertion of seven nucleotides, so it is predicted to result in a truncated protein or mRNA subject to nonsense-mediated decay. Based on available information, this variant is considered to be pathogenic. References: Bouman A et al. Bloom syndrome does not always present with sun-sensitive facial erythema. Eur J Med Genet. 2018 Feb. PMID: 29056561. Fiala EM et al. Prospective pan-cancer germline testing using MSK-IMPACT informs clinical translation in 751 patients with pediatric solid tumors. Nat Cancer. 2021 Mar. PMID: 34308366. Hogan GJ et al. Validation of an Expanded Carrier Screen that Optimizes Sensitivity via Full-Exon Sequencing and Panel-wide Copy Number Variant Identification. Clin Chem. 2018 Jul. PMID: 29760218. Huson SM et al. Infantile fibrosarcoma with TPM3-NTRK1 fusion in a boy with Bloom syndrome. Fam Cancer. 2022 Jan. PMID: 33219493. Lowery MA et al. Prospective Evaluation of Germline Alterations in Patients With Exocrine Pancreatic Neoplasms. J Natl Cancer Inst. 2018 Oct 1. PMID: 29506128. Schayek H et al. Colorectal and Endometrial Cancer Risk and Age at Diagnosis in BLMAsh Mutation Carriers. Isr Med Assoc J. 2017 Jun. PMID: 28647934.

Institute for Genomic Medicine (IGM) Clinical Laboratory, Nationwide Children's Hospital
Classification: Pathogenic for Bloom syndrome. Last evaluated: 2023-10-12. Review status: criteria provided, single submitter. Criteria: ACMG Guidelines, 2015. Collection method: clinical testing. Allele origin: germline.
Comment: This variant is predicted to result in loss of function through nonsense-mediated decay of the encoded transcript or premature truncation of the encoded protein in a gene in which loss of function is a known mechanism of disease (ACMG/AMP: PVS1; PMID:17407155). This variant has been reported at an elevated frequency in affected individuals/in multiple affected individuals in the literature (ACMG/AMP: PS4; PMIDs:7585968, 9837821, 17407155). This variant is absent from or present at an exceedingly low frequency in gnomAD, a large-scale control population database (ACMG/AMP: PM2).

Mayo Clinic Laboratories, Mayo Clinic
Classification: Pathogenic. Last evaluated: 2023-01-16. Review status: criteria provided, single submitter. Criteria: ACMG Guidelines, 2015. Collection method: clinical testing. Allele origin: germline. Observed: 1 variant allele.
Comment: PP4, PM2, PM3, PS3_moderate, PS4_moderate, PVS1

GeneDx
Classification: Pathogenic. Last evaluated: 2022-04-21. Review status: criteria provided, single submitter. Criteria: GeneDx Variant Classification Process June 2021. Collection method: clinical testing. Allele origin: germline. Affected: yes.
Comment: Frameshift variant predicted to result in protein truncation or nonsense mediated decay in a gene for which loss-of-function is a known mechanism of disease; Not observed at significant frequency in large population cohorts (gnomAD); This variant is associated with the following publications: (PMID: 18264947, 26788541, 21815139, 24096176, 26277320, 29056561, 29506128, 31816118, 34308366, 34994613, 33219493, 35099000, 7585968)

AiLife Diagnostics
Classification: Likely pathogenic. Last evaluated: 2021-06-29. Review status: criteria provided, single submitter. Criteria: ACMG Guidelines, 2015. Collection method: clinical testing. Allele origin: germline. Affected: yes. Observed: 1 variant allele.

Myriad Genetics, Inc.
Classification: Pathogenic for Bloom syndrome. Last evaluated: 2019-10-18. Review status: criteria provided, single submitter. Criteria: Myriad Women's Health Autosomal Recessive and X-Linked Classification Criteria (2019). Collection method: clinical testing. Allele origin: unknown.
Comment: NM_000057.2(BLM):c.2207_2212del6ins7(Y736Lfs*5) is classified as pathogenic in the context of Bloom syndrome. Sources cited for classification include the following: PMID: 17407155, 7585968, 9837821, and 10090915. Classification of NM_000057.2(BLM):c.2207_2212del6ins7(Y736Lfs*5) is based on the following criteria: The variant causes a premature termination codon that is expected to be targeted by nonsense-mediated mRNA decay and is reported in individuals with the relevant phenotype. Please note: this variant was assessed in the context of healthy population screening.

Women's Health and Genetics/Laboratory Corporation of America, LabCorp
Classification: Pathogenic for Bloom syndrome. Last evaluated: 2019-10-14. Review status: criteria provided, single submitter. Criteria: LabCorp Variant Classification Summary - May 2015. Collection method: clinical testing. Allele origin: germline.
Comment: Variant summary: BLM c.2207_2212delinsTAGATTC (p.Tyr736LeufsX5) results in a premature termination codon, predicted to cause a truncation of the encoded protein or absence of the protein due to nonsense mediated decay, which are commonly known mechanisms for disease. Truncations downstream of this position have been classified as pathogenic by our laboratory. The variant was absent in 249632 control chromosomes (gnomAD). c.2207_2212delinsTAGATTC has been reported in the literature in multiple individuals (both compound heterozygous and homozygous) affected with Bloom Syndrome in Ashkenazi Jewish or Spanish American ancestry (German_2007). This variant (aka blmAsh in the literature), is a well described pathogenic founder mutation in Ashkenazi Jewish population. At least one publication reports experimental evidence evaluating an impact on protein function. Skin fibroblast cell lines established from a person who was homozygous for this variant (GM08505) exhibit a spontaneous, approximately 10-fold increase in the frequency of SCEs (sister chromatid exchanges) compared to cells from unaffected persons. They also present with quadriradial chromosomes in metaphase spreads, are hypersensitive to genotoxic agent hydroxyurea, and show a delay in activating the DNA damage response after exposure to the topoisomerase poison CPT (Shastri_2015). Eight ClinVar submitters (evaluation after 2014) cite the variant as pathogenic. Based on the evidence outlined above, the variant was classified as pathogenic.